The following is an entry in ClinVar:

ClinVar aggregate classification (germline): Pathogenic (1 of 4 stars; one submission).

Submission:

Labcorp Genetics (formerly Invitae), Labcorp
Classification: Pathogenic. Last evaluated: 2020-12-02. Review status: criteria provided, single submitter. Criteria: Invitae Variant Classification Sherloc (09022015). Collection method: clinical testing. Allele origin: germline.
Comment: This variant is a gross deletion of the genomic region encompassing exon(s) 5-8 of the POLR3A gene. This deletion is out-of-frame, and is expected to create a premature translational stop signal and result in an absent or disrupted protein product. Loss-of-function variants in POLR3A are known to be pathogenic (PMID: 21855841, 25339210, 27612211, 30414627, 30450527). This variant has not been reported in the literature in individuals with POLR3A-related conditions. For these reasons, this variant has been classified as Pathogenic.

Literature cited by the submitters: PubMed 21855841; PubMed 25339210; PubMed 27612211; PubMed 30414627; PubMed 30450527.

NC_000010.10:g.(?_79780889)_(79784717_?)del

Gene: POLR3A (RNA polymerase III subunit A; minus strand). Cytogenetic location: 10q22.3.
Variant type: Deletion.
Identifiers: ClinVar variation 1456249 (VCV001456249.6).